The following is an entry in ClinVar:

NM_001282933.2(ZNF341):c.741+5G>A

Gene: ZNF341 (zinc finger protein 341; plus strand). Cytogenetic location: 20q11.22.
Variant type: single nucleotide variant.
Coding change: c.741+5G>A on transcript NM_001282933.2 (MANE Select); 5 bases into the intron after coding-DNA position 741, G replaced by A.
Molecular consequence: intron variant.
Genome position (GRCh38, 1-based): chr20:33,753,428, G>A. VCF-style: chr20-33753428-G-A. GRCh37 (hg19) VCF-style: chr20-32341234-G-A.
Other names: c.741+5G>A (NM_032819.5); c.471+5G>A (NM_001282935.2).
Identifiers: ClinVar variation 2117046 (VCV002117046.4), dbSNP rs2515465257, ClinGen allele CA2580098087.
Genomic context (GRCh38, chr20:33,753,428, plus strand): 5'-GGAGTGGAACGGTGGAGATCCAGGCACTGGGGATGCAGCCCTACCCACCCCTAGAGGTGA[G>A]CAGAGGGGGCAGGGTGGAAGAGGACACTGGTCATGGACATCATGGCCAACCCGGACCCAT-3'

ClinVar aggregate classification (germline): Uncertain significance (1 of 4 stars; one submission).

Submission:

Labcorp Genetics (formerly Invitae), Labcorp
Classification: Uncertain significance. Last evaluated: 2022-04-04. Review status: criteria provided, single submitter. Criteria: Invitae Variant Classification Sherloc (09022015). Collection method: clinical testing. Allele origin: germline.
Comment: In summary, the available evidence is currently insufficient to determine the role of this variant in disease. Therefore, it has been classified as a Variant of Uncertain Significance. Variants that disrupt the consensus splice site are a relatively common cause of aberrant splicing (PMID: 17576681, 9536098). Algorithms developed to predict the effect of sequence changes on RNA splicing suggest that this variant may disrupt the consensus splice site. This variant has not been reported in the literature in individuals affected with ZNF341-related conditions. This variant is not present in population databases (gnomAD no frequency). This sequence change falls in intron 5 of the ZNF341 gene. It does not directly change the encoded amino acid sequence of the ZNF341 protein. It affects a nucleotide within the consensus splice site.

Literature cited by the submitters: PubMed 17576681; PubMed 9536098.